The following is an entry in ClinVar:

NM_052813.5(CARD9):c.1000A>T (p.Lys334Ter)

Gene: CARD9 (caspase recruitment domain family member 9; minus strand). Cytogenetic location: 9q34.3.
Variant type: single nucleotide variant.
Coding change: c.1000A>T on transcript NM_052813.5 (MANE Select); coding-DNA position 1000, A replaced by T.
Protein change: p.Lys334Ter; replaces lysine 334 with a stop codon.
Molecular consequence: nonsense.
Genome position (GRCh38, 1-based): chr9:136,369,827, T>A on the plus strand (A>T on the coding strand, the complement: CARD9 is on the minus strand). VCF-style: chr9-136369827-T-A. GRCh37 (hg19) VCF-style: chr9-139264279-T-A.
Other names: c.1000A>T, p.Lys334Ter (NM_052814.4); short protein forms K334*.
Identifiers: ClinVar variation 2737986 (VCV002737986.3), dbSNP rs2538665837, ClinGen allele CA375543544.
Genomic context (GRCh38, chr9:136,369,827, plus strand): 5'-CGACCTCCTCCATCTGCAGCAGGATGGCCTCGATGCGGTCCTTGTACATCTTGGAGTCCT[T>A]ACGTAGTGCCAGGCACTGCAGCTCGAACATCTCCTTCTCCTCCATGCACTGCAGGGGGCG-3'

ClinVar aggregate classification (germline): Pathogenic (1 of 4 stars; one submission).

Conditions:
Predisposition to invasive fungal disease due to CARD9 deficiency (IMD103). Also called: Candidiasis, familial, 2, autosomal recessive; CARD9 IMMUNODEFICIENCY; IMMUNODEFICIENCY 103, SUSCEPTIBILITY TO FUNGAL INFECTIONS. Identifiers: Orphanet 457088, MedGen C1859353, MONDO:0008905, OMIM 212050.

Submission:

Labcorp Genetics (formerly Invitae), Labcorp
Classification: Pathogenic for Predisposition to invasive fungal disease due to CARD9 deficiency. Last evaluated: 2023-07-08. Review status: criteria provided, single submitter. Criteria: Invitae Variant Classification Sherloc (09022015). Collection method: clinical testing. Allele origin: germline.
Comment: For these reasons, this variant has been classified as Pathogenic. This variant has not been reported in the literature in individuals affected with CARD9-related conditions. This variant is not present in population databases (gnomAD no frequency). This sequence change creates a premature translational stop signal (p.Lys334*) in the CARD9 gene. It is expected to result in an absent or disrupted protein product. Loss-of-function variants in CARD9 are known to be pathogenic (PMID: 19864672, 24131138, 24231284).

Literature cited by the submitters: PubMed 19864672; PubMed 24131138; PubMed 24231284.